The following is an entry in ClinVar:

NM_000257.4(MYH7):c.3939G>A (p.Glu1313=)

Gene: MYH7 (myosin heavy chain 7; minus strand). Cytogenetic location: 14q11.2.
Variant type: single nucleotide variant.
Coding change: c.3939G>A on transcript NM_000257.4 (MANE Select); coding-DNA position 3939, G replaced by A.
Protein change: p.Glu1313=; no amino-acid change (glutamic acid 1313 retained).
Molecular consequence: synonymous variant.
Genome position (GRCh38, 1-based): chr14:23,419,210, C>T on the plus strand (G>A on the coding strand, the complement: MYH7 is on the minus strand). VCF-style: chr14-23419210-C-T. GRCh37 (hg19) VCF-style: chr14-23888419-C-T.
Other names: c.3939G>A (LRG_384t1).
Identifiers: ClinVar variation 511957 (VCV000511957.16), dbSNP rs772128107, ClinGen allele CA039471.
Genomic context (GRCh38, chr14:23,419,210, plus strand): 5'-GCCAGGTGGCCCGAGTCTAGCCCTTACCTTAACCTCCTCCTCCAGCTGCCTCTTGAGGTC[C>T]TCCAGCTGCTGGGTGTAGGTGAGCTTGCCTCGGGTCAGCTGGGAGATCAGTGCCTCCTTC-3'
Protein context (NP_000248.2, residues 1303-1323): RGKLTYTQQL[Glu1313=]DLKRQLEEEV

ClinVar aggregate classification (germline): Likely benign. Review status: criteria provided, multiple submitters, no conflicts (2 of 4 stars). 5 submissions from 5 submitters: Likely benign (5). Last evaluated 2023-06-05.

Conditions:
Cardiovascular phenotype. Identifiers: MedGen CN230736.
Hypertrophic cardiomyopathy. Also called: HYPERTROPHIC MYOCARDIOPATHY. Identifiers: Orphanet 217569, MedGen C0007194, MeSH D002312, MONDO:0005045, HP:0001639.
Cardiomyopathy (CMYO). Also called: Cardiomyopathies. Identifiers: Orphanet 167848, MedGen C0878544, MONDO:0004994, HP:0001638. Inheritance: Various modes of inheritance.

Allele frequency attached by ClinVar (database versions not stated): gnomAD below 0.00001 and 0.00001; gnomAD exomes 0.00002; ExAC 0.00004.
gnomAD v4.1: 23 of 1,614,114 alleles (0.0014%); highest among the groups gnomAD compares: South Asian, 0.025%; no homozygotes.

Submissions (5):

Labcorp Genetics (formerly Invitae), Labcorp
Classification: Likely benign for Hypertrophic cardiomyopathy. Last evaluated: 2023-06-05. Review status: criteria provided, single submitter. Criteria: Invitae Variant Classification Sherloc (09022015). Collection method: clinical testing. Allele origin: germline.

Ambry Genetics
Classification: Likely benign for Cardiovascular phenotype. Last evaluated: 2023-01-13. Review status: criteria provided, single submitter. Criteria: Ambry Variant Classification Scheme 2023. Collection method: clinical testing. Allele origin: germline.

Color Diagnostics, LLC DBA Color Health
Classification: Likely benign for Cardiomyopathy. Last evaluated: 2021-06-07. Review status: criteria provided, single submitter. Criteria: ACMG Guidelines, 2015. Collection method: clinical testing. Allele origin: germline.

Blueprint Genetics
Classification: Likely benign. Last evaluated: 2021-03-29. Review status: criteria provided, single submitter. Criteria: ACMG Guidelines, 2015. Collection method: clinical testing. Allele origin: germline.

GeneDx
Classification: Likely benign. Last evaluated: 2017-09-11. Review status: criteria provided, single submitter. Criteria: GeneDx Variant Classification (06012015). Collection method: clinical testing. Allele origin: germline. Affected: yes.
Comment: This variant is considered likely benign or benign based on one or more of the following criteria: it is a conservative change, it occurs at a poorly conserved position in the protein, it is predicted to be benign by multiple in silico algorithms, and/or has population frequency not consistent with disease.